The following is an entry in ClinVar:

NM_000179.3(MSH6):c.457+32TG[9]

Gene: MSH6 (mutS homolog 6; plus strand). Cytogenetic location: 2p16.3.
Variant type: Microsatellite.
Coding change: c.457+32TG[9] on transcript NM_000179.3 (MANE Select); nine copies in a row of the 2-base unit TG starting at c.457+32; the reference has 11 copies in a row; two copies, 4 bases deleted.
Molecular consequence: intron variant.
Genome position (GRCh38, 1-based): chr2:47,791,173-47,791,176, TGTG deleted; deleting any 4 consecutive bases within chr2:47,791,155-47,791,176 gives the same sequence; the position shown is the placement nearest the transcript's 3' end. VCF-style (leftmost placement, unchanged base first): chr2-47791154-TTGTG-T. GRCh37 (hg19) VCF-style: chr2-48018293-TTGTG-T.
Other names: c.-280+32TG[9] (NM_001281493.2); c.238-7456TG[9] (NM_001281492.2); c.-446+32TG[9] (NM_001281494.2); c.457+50_457+53delTGTG (NM_000179.3, NM_000179.2).
Identifiers: ClinVar variation 1167597 (VCV001167597.19), dbSNP rs397839804, ClinGen allele CA1649435.

ClinVar aggregate classification (germline): Benign/Likely benign. Review status: criteria provided, multiple submitters, no conflicts (2 of 4 stars). 4 submissions from 4 submitters: Benign (1); Likely benign (2). 1 of the submissions does not count toward it. Last evaluated 2025-03-04.

Conditions:
MSH6-related disorder. Also called: MSH6-related condition; MSH6-Related disorders.
Hereditary nonpolyposis colorectal neoplasms. Identifiers: MedGen C0009405, MeSH D003123.

Submissions (4):

Center for Genomic Medicine, Rigshospitalet, Copenhagen University Hospital
Classification: Likely benign. Last evaluated: 2025-03-04. Review status: criteria provided, single submitter. Criteria: ACMG Guidelines, 2015. Collection method: clinical testing. Allele origin: germline.

Blueprint Genetics
Classification: Likely benign. Last evaluated: 2024-11-22. Review status: criteria provided, single submitter. Criteria: ACMG Guidelines, 2015. Collection method: clinical testing. Allele origin: germline.

Labcorp Genetics (formerly Invitae), Labcorp
Classification: Benign for Hereditary nonpolyposis colorectal neoplasms. Last evaluated: 2023-07-17. Review status: criteria provided, single submitter. Criteria: Invitae Variant Classification Sherloc (09022015). Collection method: clinical testing. Allele origin: germline.

PreventionGenetics, part of Exact Sciences
Classification: Likely benign for MSH6-related condition. Last evaluated: 2022-02-02. Review status: no assertion criteria provided. Collection method: clinical testing. Allele origin: germline. Not counted in ClinVar's aggregate classification.
Comment: This variant is classified as likely benign based on ACMG/AMP sequence variant interpretation guidelines (Richards et al. 2015 PMID: 25741868, with internal and published modifications).